The following is an entry in ClinVar:

ClinVar aggregate classification (germline): Likely pathogenic (1 of 4 stars; one submission).

Conditions:
Adams-Oliver syndrome 2 (AOS2). Identifiers: Orphanet 974, MedGen C3280182, MONDO:0013635, OMIM 614219.

Submission:

3billion
Classification: Likely pathogenic for Adams-Oliver syndrome 2. Last evaluated: 2024-09-04. Review status: criteria provided, single submitter. Criteria: ACMG Guidelines, 2015. Collection method: clinical testing. Allele origin: germline. Affected: yes.
Comment: The variant is not observed in the gnomAD v4.0.0 dataset. Predicted Consequence/Location: Canonical splice site: predicted to alter splicing and result in a loss or disruption of normal protein function. Multiple pathogenic loss-of-function variants are reported downstream of the variant. In silico tools predict the variant to alter splicing and produce an abnormal transcript [SpliceAI: 0.98 (spliceogenicity >=0.2, non-spliceogenicity <0.1)]. Therefore, this variant is classified as Likely pathogenic according to the recommendation of ACMG/AMP guideline.

NM_020812.4(DOCK6):c.1481-2A>G

Gene: DOCK6 (dedicator of cytokinesis 6; minus strand). Cytogenetic location: 19p13.2.
Variant type: single nucleotide variant.
Coding change: c.1481-2A>G on transcript NM_020812.4 (MANE Select); the canonical splice acceptor site of the intron before coding-DNA position 1481, A replaced by G.
Molecular consequence: splice acceptor variant.
Genome position (GRCh38, 1-based): chr19:11,242,209, T>C on the plus strand (A>G on the coding strand, the complement: DOCK6 is on the minus strand). VCF-style: chr19-11242209-T-C. GRCh37 (hg19) VCF-style: chr19-11352885-T-C.
Other names: c.1481-2A>G (NM_001367830.1).
Identifiers: ClinVar variation 4293020 (VCV004293020.1).